The following is an entry in ClinVar:

NM_000303.3(PMM2):c.198T>G (p.Tyr66Ter)

Gene: PMM2 (phosphomannomutase 2; plus strand). Cytogenetic location: 16p13.2.
Variant type: single nucleotide variant.
Coding change: c.198T>G on transcript NM_000303.3 (MANE Select); coding-DNA position 198, T replaced by G.
Protein change: p.Tyr66Ter; replaces tyrosine 66 with a stop codon.
Molecular consequence: nonsense.
Genome position (GRCh38, 1-based): chr16:8,804,786, T>G. VCF-style: chr16-8804786-T-G. GRCh37 (hg19) VCF-style: chr16-8898643-T-G.
Other names: short protein forms Y66*.
Identifiers: ClinVar variation 5014013 (VCV005014013.1).

ClinVar aggregate classification (germline): Pathogenic (1 of 4 stars; one submission).

Conditions:
PMM2-congenital disorder of glycosylation. Also called: Congenital disorder of glycosylation, type Ia; CDG Ia; JAEKEN SYNDROME; PHOSPHOMANNOMUTASE 2 DEFICIENCY; CARBOHYDRATE-DEFICIENT GLYCOPROTEIN SYNDROME, TYPE Ia; PMM2-CDG. Identifiers: Orphanet 79318, MedGen C0349653, MONDO:0008907, OMIM 212065.

Submission:

Myriad Genetics, Inc.
Classification: Pathogenic for PMM2-congenital disorder of glycosylation. Last evaluated: 2025-01-24. Review status: criteria provided, single submitter. Criteria: Myriad Autosomal Dominant, Autosomal Recessive and X-Linked Classification Criteria (2023). Collection method: clinical testing. Allele origin: unknown.
Comment: NM_000303.2(PMM2):c.198T>G(Y66*) is expected to be pathogenic in the context of congenital disorder of glycosylation, PMM2-related. This variant is predicted to lead to an abnormal or absent protein product due to the creation of a premature termination codon in PMM2, a gene where loss-of-function variants are known to be pathogenic. Please note: this variant was assessed in the context of healthy population screening.